The following is an entry in ClinVar:

ClinVar aggregate classification (germline): Conflicting classifications of pathogenicity. Review status: criteria provided, conflicting classifications (1 of 4 stars). 3 submissions from 3 submitters: Uncertain significance (2); Likely benign (1). Last evaluated 2025-10-08.

Allele frequency attached by ClinVar (database versions not stated): ESP Exome Variant Server 0.00015; gnomAD 0.00021 and 0.00022; TOPMed 0.00023.
gnomAD v4.1: 119 of 1,575,758 alleles (0.0076%); highest among the groups gnomAD compares: Admixed American, 0.17%; 1 homozygote.

Submissions (3):

Labcorp Genetics (formerly Invitae), Labcorp
Classification: Likely benign. Last evaluated: 2025-10-08. Review status: criteria provided, single submitter. Criteria: Invitae Variant Classification Sherloc (09022015). Collection method: clinical testing. Allele origin: germline.

Mayo Clinic Laboratories, Mayo Clinic
Classification: Uncertain significance. Last evaluated: 2025-10-01. Review status: criteria provided, single submitter. Criteria: ACMG Guidelines, 2015. Collection method: clinical testing. Allele origin: germline. Observed: 1 variant allele.
Comment: PP3_moderate

ARUP Laboratories, Molecular Genetics and Genomics, ARUP Laboratories
Classification: Uncertain significance. Last evaluated: 2019-08-29. Review status: criteria provided, single submitter. Criteria: ARUP Molecular Germline Variant Investigation Process. Collection method: clinical testing. Allele origin: germline.

NM_001498.4(GCLC):c.1091A>G (p.Asp364Gly)

Gene: GCLC (glutamate-cysteine ligase catalytic subunit; minus strand). Cytogenetic location: 6p12.1.
Variant type: single nucleotide variant.
Coding change: c.1091A>G on transcript NM_001498.4 (MANE Select); coding-DNA position 1091, A replaced by G.
Protein change: p.Asp364Gly; replaces aspartic acid 364 with glycine.
Molecular consequence: missense variant.
Genome position (GRCh38, 1-based): chr6:53,507,019, T>C on the plus strand (A>G on the coding strand, the complement: GCLC is on the minus strand). VCF-style: chr6-53507019-T-C. GRCh37 (hg19) VCF-style: chr6-53371817-T-C.
Other names: p.Asp364Gly; c.977A>G, p.Asp326Gly (NM_001197115.2); short protein forms D326G, D364G.
Identifiers: ClinVar variation 993747 (VCV000993747.17), dbSNP rs151321990, ClinGen allele CA3860166.